The following is an entry in ClinVar:

ClinVar aggregate classification (germline): Conflicting classifications of pathogenicity. Review status: criteria provided, conflicting classifications (1 of 4 stars). 5 submissions from 5 submitters: Pathogenic (1); Likely pathogenic (2); Uncertain significance (2). Last evaluated 2025-01-26.

Conditions:
Retinal dystrophy. Also called: Inherited retinal dystrophy. Identifiers: Orphanet 71862, MedGen C0854723, MeSH D058499, MONDO:0019118, HP:0000556.
Cone-rod dystrophy. Also called: Cone-rod degeneration; Cone/cone-rod dystrophy. Identifiers: Orphanet 1872, MedGen C4085590, MONDO:0015993, HP:0000548.
Usher syndrome type 2A. Also called: RETINAL DISEASE IN USHER SYNDROME TYPE IIA, MODIFIER OF; USHER SYNDROME, TYPE IIA. Identifiers: Orphanet 231178, Orphanet 886, MedGen C1848634, MONDO:0010169, OMIM 276901.

Submissions (5):

Labcorp Genetics (formerly Invitae), Labcorp
Classification: Pathogenic. Last evaluated: 2025-01-26. Review status: criteria provided, single submitter. Criteria: Invitae Variant Classification Sherloc (09022015). Collection method: clinical testing. Allele origin: germline.
Comment: This variant, c.9788_9808del, results in the deletion of 7 amino acid(s) of the USH2A protein (p.Ile3263_Gly3269del), but otherwise preserves the integrity of the reading frame. This variant is present in population databases (no rsID available, gnomAD 0.003%). This variant has been observed in individual(s) with Usher syndrome (PMID: 20507924). This variant is also known as c.9787_9807delATTGGTGATTCCTGCTGTGGC. ClinVar contains an entry for this variant (Variation ID: 866859). This variant disrupts a region of the USH2A protein in which other variant(s) (p.Cys3267Arg) have been determined to be pathogenic (PMID: 17085681, 22004887, 25404053, 30190494). This suggests that this is a clinically significant region of the protein, and that variants that disrupt it are likely to be disease-causing. For these reasons, this variant has been classified as Pathogenic.

Natera, Inc.
Classification: Likely pathogenic for Usher syndrome type 2A. Last evaluated: 2024-09-29. Review status: criteria provided, single submitter. Criteria: Natera Variant Classification Schema (03/2026). Collection method: clinical testing. Allele origin: germline.
Comment: The c.9788_9808del variant in USH2A is an in-frame deletion. This variant is rare in the general population with a frequency below the threshold expected for the associated phenotype(s). This variant results in a change to the protein length while preserving reading frame, which may disrupt normal protein structure or function. A different variant at the same position has been determined to be Pathogenic or Likely Pathogenic. Given the available evidence, this variant is classified as Likely Pathogenic.

Blueprint Genetics
Classification: Uncertain significance. Last evaluated: 2024-06-07. Review status: criteria provided, single submitter. Criteria: ACMG Guidelines, 2015. Collection method: clinical testing. Allele origin: germline.

Cambridge Genomics Laboratory, East Genomic Laboratory Hub, NHS Genomic Medicine Service
Classification: Uncertain significance for Cone-rod dystrophy. Last evaluated: 2020-06-18. Review status: criteria provided, single submitter. Criteria: ACGS Best Practice Guidelines for Variant Classification in Rare Disease 2020. Collection method: clinical testing. Allele origin: germline. Affected: yes. Observed: 1 variant allele.

Institute of Human Genetics, Univ. Regensburg, Univ. Regensburg
Classification: Likely pathogenic for Retinal dystrophy. Last evaluated: 2019-01-01. Review status: criteria provided, single submitter. Criteria: ACMG Guidelines, 2015. Collection method: clinical testing. Allele origin: germline. Affected: yes.

Literature cited by the submitters: PubMed 20507924 (cited by Labcorp Genetics (formerly Invitae), Labcorp and Institute of Human Genetics, Univ. Regensburg, Univ. Regensburg); PubMed 17085681 (cited by Labcorp Genetics (formerly Invitae), Labcorp); PubMed 22004887 (cited by Labcorp Genetics (formerly Invitae), Labcorp); PubMed 25404053 (cited by Labcorp Genetics (formerly Invitae), Labcorp); PubMed 30190494 (cited by Labcorp Genetics (formerly Invitae), Labcorp).

NM_206933.4(USH2A):c.9788_9808del (p.Ile3263_Gly3269del)

Gene: USH2A (usherin; minus strand). Cytogenetic location: 1q41.
Variant type: Deletion.
Coding change: c.9788_9808del on transcript NM_206933.4 (MANE Select); coding-DNA positions 9788 to 9808, 21 bases deleted (TTGGTGATTCCTGCTGTGGCA).
Protein change: p.Ile3263_Gly3269del.
Molecular consequence: inframe deletion.
Genome position (GRCh38, 1-based): chr1:215,799,057-215,799,077, TGCCACAGCAGGAATCACCAA deleted on the plus strand (TTGGTGATTCCTGCTGTGGCA on the coding strand, the reverse complement: USH2A is on the minus strand); deleting any 21 consecutive bases within chr1:215,799,057-215,799,082 gives the same sequence; the c. name uses the placement nearest the transcript's 3' end. VCF-style (leftmost placement, unchanged base first): chr1-215799056-CTGCCACAGCAGGAATCACCAA-C. GRCh37 (hg19) VCF-style: chr1-215972398-CTGCCACAGCAGGAATCACCAA-C.
Identifiers: ClinVar variation 866859 (VCV000866859.10), dbSNP rs1246009294, ClinGen allele CA529002276.
Genomic context (GRCh38, chr1:215,799,056, plus strand): 5'-TGGCCATCATGAAGCCTCCCAGCACAGCAAATCTGGTTTCCTGAGGTGGAGTACGGCATT[CTGCCACAGCAGGAATCACCAA>C]TGCCAACAGAAACCCGATTGTGCTGTTCATCTGGACAGCATACTTCACCTGTCAATTTAG-3'